The following is an entry in ClinVar:

ClinVar aggregate classification (germline): Conflicting classifications of pathogenicity. Review status: criteria provided, conflicting classifications (1 of 4 stars). 2 submissions from 2 submitters: Uncertain significance (1); Likely benign (1). Last evaluated 2024-11-21.

Conditions:
Hereditary sensory and autonomic neuropathy type 6. Also called: HSAN VI; Neuropathy, hereditary sensory and autonomic, type VI. Identifiers: Orphanet 314381, MedGen C3539003, MONDO:0013839, OMIM 614653.
Epidermolysis bullosa simplex 3, localized or generalized intermediate, with BP230 deficiency (EBS3). Also called: Epidermolysis bullosa simplex, autosomal recessive 2; Epidermolysis bullosa simplex due to BP230 deficiency. Identifiers: Orphanet 412181, MedGen C3809470, MONDO:0014180, OMIM 615425.

gnomAD v4.1: 51 of 1,491,504 alleles (0.0034%); highest among the groups gnomAD compares: East Asian, 0.014%; no homozygotes.

Submissions (2):

Labcorp Genetics (formerly Invitae), Labcorp
Classification: Uncertain significance for Epidermolysis bullosa simplex 3, localized or generalized intermediate, with BP230 deficiency; Hereditary sensory and autonomic neuropathy type 6. Last evaluated: 2024-11-21. Review status: criteria provided, single submitter. Criteria: Invitae Variant Classification Sherloc (09022015). Collection method: clinical testing. Allele origin: germline.
Comment: The DST gene has multiple clinically relevant transcripts. This variant occurs in alternate transcript NM_015548.4, and corresponds to NM_001723.5:c.*59694C>T in the primary transcript. This sequence change affects codon 2263 of the DST mRNA. It is a 'silent' change, meaning that it does not change the encoded amino acid sequence of the DST protein. This variant is present in population databases (rs373875682, gnomAD 0.01%). This variant has not been reported in the literature in individuals affected with DST-related conditions. Experimental studies and prediction algorithms are not available or were not evaluated, and the effect of this variant on mRNA splicing is currently unknown. In summary, the available evidence is currently insufficient to determine the role of this variant in disease. Therefore, it has been classified as a Variant of Uncertain Significance.

Blueprint Genetics
Classification: Likely benign. Last evaluated: 2023-02-16. Review status: criteria provided, single submitter. Criteria: ACMG Guidelines, 2015. Collection method: clinical testing. Allele origin: germline.

NM_001374736.1(DST):c.14658C>T (p.Phe4886=)

Gene: DST (dystonin; minus strand). Cytogenetic location: 6p12.1.
Variant type: single nucleotide variant.
Coding change: c.14658C>T on transcript NM_001374736.1 (MANE Select); coding-DNA position 14658, C replaced by T.
Protein change: p.Phe4886=; no amino-acid change (phenylalanine 4886 retained).
Molecular consequence: synonymous variant.
Genome position (GRCh38, 1-based): chr6:56,555,823, G>A on the plus strand (C>T on the coding strand, the complement: DST is on the minus strand). VCF-style: chr6-56555823-G-A. GRCh37 (hg19) VCF-style: chr6-56420621-G-A.
Other names: c.8301C>T, p.Phe2767= (NM_001144769.5); c.7887C>T, p.Phe2629= (NM_001144770.2); c.14658C>T, p.Phe4886= (NM_001374722.1); c.14025C>T, p.Phe4675= (NM_001374729.1); c.7767C>T, p.Phe2589= (NM_001374730.1, NM_001386100.1, NM_183380.4); c.14685C>T, p.Phe4895= (NM_001374734.1); c.6789C>T, p.Phe2263= (NM_015548.5).
Identifiers: ClinVar variation 3761192 (VCV003761192.3).
Genomic context (GRCh38, chr6:56,555,823, plus strand): 5'-CCTGCTCAGAATGCCCTGACCAGCTGCTGTCAGCTGTTCATATTGAGGTTTCCGAGTGGC[G>A]AATTCTTGCAGCAAAATCTAAGGTAACAAGGGTAAACAAACGCAAATTATTATATAATTG-3'
Protein context (NP_001361665.1, residues 4876-4896): RQQVQILLQE[Phe4886=]ATRKPQYEQL